The following is an entry in ClinVar:

NM_003265.3(TLR3):c.2608A>G (p.Met870Val)

Gene: TLR3 (toll like receptor 3; plus strand). Cytogenetic location: 4q35.1.
Variant type: single nucleotide variant.
Coding change: c.2608A>G on transcript NM_003265.3 (MANE Select); coding-DNA position 2608, A replaced by G.
Protein change: p.Met870Val; replaces methionine 870 with valine.
Molecular consequence: missense variant.
Genome position (GRCh38, 1-based): chr4:186,084,766, A>G. VCF-style: chr4-186084766-A-G. GRCh37 (hg19) VCF-style: chr4-187005920-A-G.
Other names: short protein forms M870V.
Identifiers: ClinVar variation 4703347 (VCV004703347.1).

ClinVar aggregate classification (germline): Uncertain significance (1 of 4 stars; one submission).

Conditions:
Encephalopathy, acute, infection-induced (herpes-specific), susceptibility to, 1. Also called: Herpes simplex encephalitis, susceptibility to, 1. Identifiers: Orphanet 1930, MedGen C2750180, MONDO:0024563, OMIM 610551.

Submission:

Labcorp Genetics (formerly Invitae), Labcorp
Classification: Uncertain significance for Encephalopathy, acute, infection-induced (herpes-specific), susceptibility to, 1. Last evaluated: 2025-10-14. Review status: criteria provided, single submitter. Criteria: Invitae Variant Classification Sherloc (09022015). Collection method: clinical testing. Allele origin: germline.
Comment: This sequence change replaces methionine, which is neutral and non-polar, with valine, which is neutral and non-polar, at codon 870 of the TLR3 protein (p.Met870Val). This variant is not present in population databases (gnomAD no frequency). This variant has not been reported in the literature in individuals affected with TLR3-related conditions. An algorithm developed to predict the effect of missense changes on protein structure and function (PolyPhen-2) suggests that this variant is likely to be disruptive. Studies have shown that this missense change alters TLR3 gene expression (PMID: 32972995). In summary, the available evidence is currently insufficient to determine the role of this variant in disease. Therefore, it has been classified as a Variant of Uncertain Significance.

Literature cited by the submitters: PubMed 32972995.